The following is an entry in ClinVar:

ClinVar aggregate classification (germline): Uncertain significance (1 of 4 stars; one submission).

gnomAD v4.1: 2 of 1,613,896 alleles (0.00012%); highest among the groups gnomAD compares: Admixed American, 0.0017%; no homozygotes.

Submission:

Labcorp Genetics (formerly Invitae), Labcorp
Classification: Uncertain significance. Last evaluated: 2024-03-16. Review status: criteria provided, single submitter. Criteria: Invitae Variant Classification Sherloc (09022015). Collection method: clinical testing. Allele origin: germline.
Comment: This sequence change replaces methionine, which is neutral and non-polar, with valine, which is neutral and non-polar, at codon 692 of the KAT6A protein (p.Met692Val). This variant is present in population databases (rs752434570, gnomAD 0.002%). This variant has not been reported in the literature in individuals affected with KAT6A-related conditions. Advanced modeling of protein sequence and biophysical properties (such as structural, functional, and spatial information, amino acid conservation, physicochemical variation, residue mobility, and thermodynamic stability) performed at Invitae indicates that this missense variant is not expected to disrupt KAT6A protein function with a negative predictive value of 80%. In summary, the available evidence is currently insufficient to determine the role of this variant in disease. Therefore, it has been classified as a Variant of Uncertain Significance.

NM_006766.5(KAT6A):c.2074A>G (p.Met692Val)

Gene: KAT6A (lysine acetyltransferase 6A; minus strand). Cytogenetic location: 8p11.21.
Variant type: single nucleotide variant.
Coding change: c.2074A>G on transcript NM_006766.5 (MANE Select); coding-DNA position 2074, A replaced by G.
Protein change: p.Met692Val; replaces methionine 692 with valine.
Molecular consequence: missense variant.
Genome position (GRCh38, 1-based): chr8:41,943,902, T>C on the plus strand (A>G on the coding strand, the complement: KAT6A is on the minus strand). VCF-style: chr8-41943902-T-C. GRCh37 (hg19) VCF-style: chr8-41801420-T-C.
Other names: c.2074A>G, p.Met692Val (NM_001305878.2); short protein forms M692V.
Identifiers: ClinVar variation 3622479 (VCV003622479.2).